The following is an entry in ClinVar:

NM_001242896.3(DEPDC5):c.4519+20G>A

Gene: DEPDC5 (DEP domain containing 5, GATOR1 subcomplex subunit; plus strand). Cytogenetic location: 22q12.3.
Variant type: single nucleotide variant.
Coding change: c.4519+20G>A on transcript NM_001242896.3 (MANE Select); 20 bases into the intron after coding-DNA position 4519, G replaced by A.
Molecular consequence: intron variant.
Genome position (GRCh38, 1-based): chr22:31,906,086, G>A. VCF-style: chr22-31906086-G-A. GRCh37 (hg19) VCF-style: chr22-32302072-G-A.
Other names: c.4519+20G>A (NM_001364318.2); c.4492+20G>A (NM_001136029.4); c.4426+20G>A (NM_014662.6, NM_001369903.1); c.4453+20G>A (NM_001363852.2, NM_001364320.2); c.4285+20G>A (NM_001363854.2, NM_001364319.2); c.4219+20G>A (NM_001242897.2); c.4435+20G>A (NM_001369902.1, NM_001369901.1).
Identifiers: ClinVar variation 2155972 (VCV002155972.5), dbSNP rs763682569, ClinGen allele CA752472170.

ClinVar aggregate classification (germline): Likely benign. Review status: criteria provided, multiple submitters, no conflicts (2 of 4 stars). 2 submissions from 2 submitters: Likely benign (2). Last evaluated 2026-02-17.

Conditions:
Familial focal epilepsy with variable foci (FPEVF). Identifiers: Orphanet 98820, MedGen C1858477, MONDO:0020310.

Allele frequency attached by ClinVar (database versions not stated): TOPMed 0.00001.
gnomAD v4.1: 11 of 1,614,078 alleles (0.00068%); highest among the groups gnomAD compares: Middle Eastern, 0.033%; no homozygotes.

Submissions (2):

Women's Health and Genetics/Laboratory Corporation of America, LabCorp
Classification: Likely benign. Last evaluated: 2026-02-17. Review status: criteria provided, single submitter. Criteria: LabCorp Variant Classification Summary - May 2015. Collection method: clinical testing. Allele origin: germline.
Comment: Variant summary: DEPDC5 c.4519+20G>A alters a non-conserved nucleotide located at a position not widely known to affect splicing. Consensus agreement among computation tools predict no significant impact on normal splicing. However, these predictions have yet to be confirmed by functional studies. The variant was absent in 249206 control chromosomes. The available data on variant occurrences in the general population are insufficient to allow any conclusion about variant significance. To our knowledge, no occurrence of c.4519+20G>A in individuals affected with DEPDC5-related conditions and no experimental evidence demonstrating its impact on protein function have been reported. ClinVar contains an entry for this variant (Variation ID: 2155972). Based on the evidence outlined above, the variant was classified as likely benign.

Labcorp Genetics (formerly Invitae), Labcorp
Classification: Likely benign for Familial focal epilepsy with variable foci. Last evaluated: 2025-10-27. Review status: criteria provided, single submitter. Criteria: Invitae Variant Classification Sherloc (09022015). Collection method: clinical testing. Allele origin: germline.